The following is an entry in ClinVar:

NM_018451.5(CPAP):c.851G>A (p.Arg284His)

Gene: CPAP (centrosome assembly and centriole elongation protein; minus strand). Cytogenetic location: 13q12.13.
Variant type: single nucleotide variant.
Coding change: c.851G>A on transcript NM_018451.5 (MANE Select); coding-DNA position 851, G replaced by A.
Protein change: p.Arg284His; replaces arginine 284 with histidine.
Molecular consequence: missense variant. On other transcripts: non-coding transcript variant (2).
Genome position (GRCh38, 1-based): chr13:24,909,804, C>T on the plus strand (G>A on the coding strand, the complement: CPAP is on the minus strand). VCF-style: chr13-24909804-C-T. GRCh37 (hg19) VCF-style: chr13-25483942-C-T.
Other names: short protein forms R284H.
Identifiers: ClinVar variation 2187379 (VCV002187379.2), dbSNP rs369635681, ClinGen allele CA6919906.

ClinVar aggregate classification (germline): Uncertain significance (1 of 4 stars; one submission).

Allele frequency attached by ClinVar (database versions not stated): ExAC 0.00005; TOPMed 0.00007; gnomAD 0.00009.
gnomAD v4.1: 78 of 1,612,094 alleles (0.0048%); highest among the groups gnomAD compares: East Asian, 0.022%; no homozygotes.

Submission:

Labcorp Genetics (formerly Invitae), Labcorp
Classification: Uncertain significance. Last evaluated: 2024-02-22. Review status: criteria provided, single submitter. Criteria: Invitae Variant Classification Sherloc (09022015). Collection method: clinical testing. Allele origin: germline.
Comment: This sequence change replaces arginine, which is basic and polar, with histidine, which is basic and polar, at codon 284 of the CENPJ protein (p.Arg284His). This variant is present in population databases (rs369635681, gnomAD 0.03%). This variant has not been reported in the literature in individuals affected with CENPJ-related conditions. ClinVar contains an entry for this variant (Variation ID: 2187379). Advanced modeling of protein sequence and biophysical properties (such as structural, functional, and spatial information, amino acid conservation, physicochemical variation, residue mobility, and thermodynamic stability) performed at Invitae indicates that this missense variant is not expected to disrupt CENPJ protein function with a negative predictive value of 80%. In summary, the available evidence is currently insufficient to determine the role of this variant in disease. Therefore, it has been classified as a Variant of Uncertain Significance.